The following is an entry in ClinVar:

NM_004484.4(GPC3):c.948G>A (p.Met316Ile)

Gene: GPC3 (glypican 3; minus strand). Cytogenetic location: Xq26.2.
Variant type: single nucleotide variant.
Coding change: c.948G>A on transcript NM_004484.4 (MANE Select); coding-DNA position 948, G replaced by A.
Protein change: p.Met316Ile; replaces methionine 316 with isoleucine.
Molecular consequence: missense variant.
Genome position (GRCh38, 1-based): chrX:133,753,566, C>T on the plus strand (G>A on the coding strand, the complement: GPC3 is on the minus strand). VCF-style: chrX-133753566-C-T. GRCh37 (hg19) VCF-style: chrX-132887593-C-T.
Other names: c.948G>A, p.Met316Ile (NM_001164617.2); c.900G>A, p.Met300Ile (NM_001164618.2); c.786G>A, p.Met262Ile (NM_001164619.2); short protein forms M262I, M300I, M316I.
Identifiers: ClinVar variation 4743675 (VCV004743675.1).

ClinVar aggregate classification (germline): Uncertain significance (1 of 4 stars; one submission).

Conditions:
Wilms tumor 1 (WT1). Also called: Wilms tumor, somatic. Identifiers: Orphanet 654, MedGen CN033288, MONDO:0008679, OMIM 194070.

Submission:

Labcorp Genetics (formerly Invitae), Labcorp
Classification: Uncertain significance for Wilms tumor 1. Last evaluated: 2025-06-29. Review status: criteria provided, single submitter. Criteria: Invitae Variant Classification Sherloc (09022015). Collection method: clinical testing. Allele origin: germline.
Comment: This sequence change replaces methionine, which is neutral and non-polar, with isoleucine, which is neutral and non-polar, at codon 316 of the GPC3 protein (p.Met316Ile). This variant is not present in population databases (gnomAD no frequency). This variant has not been reported in the literature in individuals affected with GPC3-related conditions. Invitae Evidence Modeling of protein sequence and biophysical properties (such as structural, functional, and spatial information, amino acid conservation, physicochemical variation, residue mobility, and thermodynamic stability) indicates that this missense variant is not expected to disrupt GPC3 protein function with a negative predictive value of 80%. In summary, the available evidence is currently insufficient to determine the role of this variant in disease. Therefore, it has been classified as a Variant of Uncertain Significance.